The following is an entry in ClinVar:

ClinVar aggregate classification (germline): Uncertain significance (1 of 4 stars; one submission).

Conditions:
Primary dilated cardiomyopathy (DCM). Also called: Dilated Cardiomyopathy. Identifiers: Orphanet 217604, MedGen C0007193, MeSH D002311, MONDO:0005021, HP:0001644. Inheritance: Various modes of inheritance.

Allele frequency attached by ClinVar (database versions not stated): ExAC 0.00003.
gnomAD v4.1: 12 of 1,605,414 alleles (0.00075%); highest among the groups gnomAD compares: South Asian, 0.0066%; no homozygotes.

Submission:

Labcorp Genetics (formerly Invitae), Labcorp
Classification: Uncertain significance for Primary dilated cardiomyopathy. Last evaluated: 2023-09-24. Review status: criteria provided, single submitter. Criteria: Invitae Variant Classification Sherloc (09022015). Collection method: clinical testing. Allele origin: germline.
Comment: In summary, the available evidence is currently insufficient to determine the role of this variant in disease. Therefore, it has been classified as a Variant of Uncertain Significance. Algorithms developed to predict the effect of missense changes on protein structure and function output the following: SIFT: "Not Available"; PolyPhen-2: "Benign"; Align-GVGD: "Not Available". The threonine amino acid residue is found in multiple mammalian species, which suggests that this missense change does not adversely affect protein function. This variant has not been reported in the literature in individuals affected with NEBL-related conditions. This variant is present in population databases (rs761850301, gnomAD 0.01%). This sequence change replaces isoleucine, which is neutral and non-polar, with threonine, which is neutral and polar, at codon 18 of the NEBL protein (p.Ile18Thr).

NM_006393.3(NEBL):c.53T>C (p.Ile18Thr)

Gene: NEBL (nebulette; minus strand). Cytogenetic location: 10p12.31.
Variant type: single nucleotide variant.
Coding change: c.53T>C on transcript NM_006393.3 (MANE Select); coding-DNA position 53, T replaced by C.
Protein change: p.Ile18Thr; replaces isoleucine 18 with threonine.
Molecular consequence: missense variant. On other transcripts: intron variant (9).
Genome position (GRCh38, 1-based): chr10:20,897,153, A>G on the plus strand (T>C on the coding strand, the complement: NEBL is on the minus strand). VCF-style: chr10-20897153-A-G. GRCh37 (hg19) VCF-style: chr10-21186082-A-G.
Other names: c.249+64519T>C (NM_001377326.1, NM_001377327.1, NM_001377328.1); c.357+64519T>C (NM_213569.2, NM_001173484.2, NM_001377322.1); c.300+64519T>C (NM_001377324.1); c.291+64519T>C (NM_001377325.1); c.309+64519T>C (NM_001377323.1); short protein forms I18T.
Identifiers: ClinVar variation 2721554 (VCV002721554.3), dbSNP rs761850301, ClinGen allele CA5433407.